The following is an entry in ClinVar:

NM_152564.5(VPS13B):c.7088A>G (p.Lys2363Arg)

Gene: VPS13B (vacuolar protein sorting 13 homolog B; plus strand). Cytogenetic location: 8q22.2.
Variant type: single nucleotide variant.
Coding change: c.7088A>G on transcript NM_152564.5 (MANE Select); coding-DNA position 7088, A replaced by G.
Protein change: p.Lys2363Arg; replaces lysine 2363 with arginine.
Molecular consequence: missense variant.
Genome position (GRCh38, 1-based): chr8:99,766,811, A>G. VCF-style: chr8-99766811-A-G. GRCh37 (hg19) VCF-style: chr8-100779039-A-G.
Other names: c.7163A>G, p.Lys2388Arg (NM_017890.5); c.7163A>G (NM_017890.3); c.7088A>G (NM_152564.4); short protein forms K2388R, K2363R.
Identifiers: ClinVar variation 361072 (VCV000361072.9), dbSNP rs778935189, ClinGen allele CA4824150.

ClinVar aggregate classification (germline): Uncertain significance. Review status: criteria provided, multiple submitters, no conflicts (2 of 4 stars). 5 submissions from 5 submitters: Uncertain significance (5). Last evaluated 2026-08-31.

Conditions:
VPS13B-related disorder. Also called: VPS13B-related condition.
Inborn genetic diseases. Identifiers: MedGen C0950123, MeSH D030342.
Cohen syndrome (COH1). Also called: PEPPER SYNDROME; Cutis verticis gyrata, retinitis pigmentosa, and sensorineural deafness. Identifiers: Orphanet 193, MedGen C0265223, MONDO:0008999, OMIM 216550.

Allele frequency attached by ClinVar (database versions not stated): gnomAD 0.00001 and 0.00002; gnomAD exomes 0.00002; TOPMed 0.00002; ExAC 0.00004.
gnomAD v4.1: 37 of 1,613,942 alleles (0.0023%); highest among the groups gnomAD compares: East Asian, 0.042%; no homozygotes.

Submissions (5):

PreventionGenetics, part of Exact Sciences
Classification: Uncertain significance for VPS13B-related condition. Last evaluated: 2026-08-31. Review status: criteria provided, single submitter. Criteria: ACMG Guidelines, 2015. Collection method: clinical testing. Allele origin: germline.
Comment: The VPS13B c.7088A>G variant is predicted to result in the amino acid substitution p.Lys2363Arg. To our knowledge, this variant has not been reported in the literature. This variant is reported in 0.016% of alleles in individuals of East Asian descent in gnomAD. At this time, the clinical significance of this variant is uncertain due to the absence of conclusive functional and genetic evidence.

Ambry Genetics
Classification: Uncertain significance for Inborn genetic diseases. Last evaluated: 2024-03-28. Review status: criteria provided, single submitter. Criteria: Ambry Variant Classification Scheme 2023. Collection method: clinical testing. Allele origin: germline.

Blueprint Genetics
Classification: Uncertain significance. Last evaluated: 2023-06-08. Review status: criteria provided, single submitter. Criteria: ACMG Guidelines, 2015. Collection method: clinical testing. Allele origin: germline.

Labcorp Genetics (formerly Invitae), Labcorp
Classification: Uncertain significance for Cohen syndrome. Last evaluated: 2022-10-13. Review status: criteria provided, single submitter. Criteria: Invitae Variant Classification Sherloc (09022015). Collection method: clinical testing. Allele origin: germline.
Comment: This sequence change replaces lysine, which is basic and polar, with arginine, which is basic and polar, at codon 2388 of the VPS13B protein (p.Lys2388Arg). This variant is present in population databases (rs778935189, gnomAD 0.02%). This variant has not been reported in the literature in individuals affected with VPS13B-related conditions. ClinVar contains an entry for this variant (Variation ID: 361072). Advanced modeling of protein sequence and biophysical properties (such as structural, functional, and spatial information, amino acid conservation, physicochemical variation, residue mobility, and thermodynamic stability) performed at Invitae indicates that this missense variant is not expected to disrupt VPS13B protein function. In summary, the available evidence is currently insufficient to determine the role of this variant in disease. Therefore, it has been classified as a Variant of Uncertain Significance.

Illumina Laboratory Services, Illumina
Classification: Uncertain significance for Cohen syndrome. Last evaluated: 2018-01-12. Review status: criteria provided, single submitter. Criteria: ICSL Variant Classification Criteria 13 December 2019. Collection method: clinical testing. Allele origin: germline.